The following is an entry in ClinVar:

NM_001042492.3(NF1):c.3397G>A (p.Gly1133Ser)

Gene: NF1 (neurofibromin 1; plus strand). Cytogenetic location: 17q11.2.
Variant type: single nucleotide variant.
Coding change: c.3397G>A on transcript NM_001042492.3 (MANE Select); coding-DNA position 3397, G replaced by A.
Protein change: p.Gly1133Ser; replaces glycine 1133 with serine.
Molecular consequence: missense variant.
Genome position (GRCh38, 1-based): chr17:31,232,782, G>A. VCF-style: chr17-31232782-G-A. GRCh37 (hg19) VCF-style: chr17-29559800-G-A.
Other names: c.3397G>A, p.Gly1133Ser (NM_000267.4); short protein forms G1133S.
Identifiers: ClinVar variation 1730953 (VCV001730953.3), dbSNP rs2151434630, ClinGen allele CA398989144.

ClinVar aggregate classification (germline): Uncertain significance (1 of 4 stars; one submission).

Conditions:
Hereditary cancer-predisposing syndrome. Also called: Neoplastic Syndromes, Hereditary; Tumor predisposition; Hereditary Cancer Syndrome; Hereditary neoplastic syndrome. Identifiers: Orphanet 140162, MedGen C0027672, MeSH D009386, MONDO:0015356.
Cardiovascular phenotype. Identifiers: MedGen CN230736.

Submission:

Ambry Genetics
Classification: Uncertain significance for Cardiovascular phenotype; Hereditary cancer-predisposing syndrome. Last evaluated: 2025-11-25. Review status: criteria provided, single submitter. Criteria: Ambry Variant Classification Scheme 2023. Collection method: clinical testing. Allele origin: germline.
Comment: The p.G1133S variant (also known as c.3397G>A), located in coding exon 26 of the NF1 gene, results from a G to A substitution at nucleotide position 3397. The glycine at codon 1133 is replaced by serine, an amino acid with similar properties. This amino acid position is highly conserved in available vertebrate species. In addition, the in silico prediction for this alteration is inconclusive. Based on the available evidence, the clinical significance of this variant remains unclear.